The following is an entry in ClinVar:

NM_005732.4(RAD50):c.3712G>A (p.Asp1238Asn)

Genes: RAD50 (RAD50 double strand break repair protein; plus strand), TH2LCRR (T helper type 2 locus control region associated RNA; minus strand), TH2-LCR (Th2 cytokine locus control region; plus strand). Cytogenetic location: 5q31.1.
Variant type: single nucleotide variant.
Coding change: c.3712G>A on transcript NM_005732.4 (MANE Select); coding-DNA position 3712, G replaced by A.
Protein change: p.Asp1238Asn; replaces aspartic acid 1238 with asparagine.
Molecular consequence: missense variant.
Genome position (GRCh38, 1-based): chr5:132,640,765, G>A. VCF-style: chr5-132640765-G-A. GRCh37 (hg19) VCF-style: chr5-131976457-G-A.
Other names: short protein forms D1238N.
Identifiers: ClinVar variation 480438 (VCV000480438.7), dbSNP rs1554101195, ClinGen allele CA360934653.

ClinVar aggregate classification (germline): Uncertain significance. Review status: criteria provided, multiple submitters, no conflicts (2 of 4 stars). 2 submissions from 2 submitters: Uncertain significance (2). Last evaluated 2024-08-27.

Conditions:
Hereditary cancer-predisposing syndrome. Also called: Hereditary Cancer Syndrome; Neoplastic Syndromes, Hereditary; Tumor predisposition; Hereditary neoplastic syndrome. Identifiers: Orphanet 140162, MedGen C0027672, MeSH D009386, MONDO:0015356.

Submissions (2):

Labcorp Genetics (formerly Invitae), Labcorp
Classification: Uncertain significance for Hereditary cancer-predisposing syndrome. Last evaluated: 2024-08-27. Review status: criteria provided, single submitter. Criteria: Invitae Variant Classification Sherloc (09022015). Collection method: clinical testing. Allele origin: germline.
Comment: This sequence change replaces aspartic acid, which is acidic and polar, with asparagine, which is neutral and polar, at codon 1238 of the RAD50 protein (p.Asp1238Asn). This variant is not present in population databases (gnomAD no frequency). This variant has not been reported in the literature in individuals affected with RAD50-related conditions. ClinVar contains an entry for this variant (Variation ID: 480438). Invitae Evidence Modeling of protein sequence and biophysical properties (such as structural, functional, and spatial information, amino acid conservation, physicochemical variation, residue mobility, and thermodynamic stability) indicates that this missense variant is expected to disrupt RAD50 protein function with a positive predictive value of 80%. In summary, the available evidence is currently insufficient to determine the role of this variant in disease. Therefore, it has been classified as a Variant of Uncertain Significance.

Ambry Genetics
Classification: Uncertain significance for Hereditary cancer-predisposing syndrome. Last evaluated: 2016-05-31. Review status: criteria provided, single submitter. Criteria: Ambry Variant Classification Scheme 2023. Collection method: clinical testing. Allele origin: germline.
Comment: The p.D1238N variant (also known as c.3712G>A), located in coding exon 24 of the RAD50 gene, results from a G to A substitution at nucleotide position 3712. The aspartic acid at codon 1238 is replaced by asparagine, an amino acid with highly similar properties. This variant was not reported in population based cohorts in the following databases: Database of Single Nucleotide Polymorphisms (dbSNP), NHLBI Exome Sequencing Project (ESP), and 1000 Genomes Project. In the ESP, this variant was not observed in 6503 samples (13006 alleles) with coverage at this position. To date, this alteration has been detected with an allele frequency of approximately 0.001% (greater than 175000 alleles tested) in our clinical cohort. This amino acid position is highly conserved in available vertebrate species. In addition, the in silico prediction for this alteration is inconclusive. Since supporting evidence is limited at this time, the clinical significance of this alteration remains unclear.